The following is an entry in ClinVar:

NC_000005.9:g.(?_161530875)_(161580374_?)del

Gene: GABRG2 (gamma-aminobutyric acid type A receptor subunit gamma2; plus strand). Cytogenetic location: 5q34.
Variant type: Deletion.
Identifiers: ClinVar variation 2423406 (VCV002423406.5).

ClinVar aggregate classification (germline): Pathogenic (1 of 4 stars; one submission).

Conditions:
EPILEPSY, CHILDHOOD ABSENCE, SUSCEPTIBILITY TO, 2 (ECA2). Identifiers: Orphanet 64280, MedGen C1843244, OMIM 607681.
Febrile seizures, familial, 8 (FEB8). Also called: CONVULSIONS, FAMILIAL FEBRILE, 8. Identifiers: Orphanet 36387, MedGen C1969810, MONDO:0011891, OMIM 607681.

Submission:

Labcorp Genetics (formerly Invitae), Labcorp
Classification: Pathogenic for Febrile seizures, familial, 8; EPILEPSY, CHILDHOOD ABSENCE, SUSCEPTIBILITY TO, 2. Last evaluated: 2023-03-12. Review status: criteria provided, single submitter. Criteria: Invitae Variant Classification Sherloc (09022015). Collection method: clinical testing. Allele origin: germline.
Comment: This variant is a gross deletion of the genomic region encompassing exon(s) 6-9 of the GABRG2 gene, which includes the termination codon. This deletion extends beyond the assayed region for this gene and therefore may encompass additional genes. While this deletion is not anticipated to lead to nonsense mediated decay, it is expected to alter mRNA translation or result in a truncated protein product. For these reasons, this variant has been classified as Pathogenic. This variant disrupts a region of the GABRG2 protein in which other variant(s) (p.Pro282Ser) have been determined to be pathogenic (PMID: 27864268; Invitae). This suggests that this is a clinically significant region of the protein, and that variants that disrupt it are likely to be disease-causing. This variant has not been reported in the literature in individuals affected with GABRG2-related conditions.

Literature cited by the submitters: PubMed 27864268.